The following is an entry in ClinVar:

NM_001377540.1(SLMAP):c.419+3G>A

Gene: SLMAP (sarcolemma associated protein; plus strand). Cytogenetic location: 3p14.3.
Variant type: single nucleotide variant.
Coding change: c.419+3G>A on transcript NM_001377540.1 (MANE Select); 3 bases into the intron after coding-DNA position 419, G replaced by A.
Molecular consequence: intron variant.
Genome position (GRCh38, 1-based): chr3:57,841,374, G>A. VCF-style: chr3-57841374-G-A. GRCh37 (hg19) VCF-style: chr3-57827101-G-A.
Other names: c.419+3G>A (NM_001304420.3, NM_001377562.1, NM_001377552.1 and 17 more transcripts).
Identifiers: ClinVar variation 2805176 (VCV002805176.3), dbSNP rs1331198816, ClinGen allele CA908590038.

ClinVar aggregate classification (germline): Uncertain significance (1 of 4 stars; one submission).

Conditions:
Brugada syndrome. Also called: Sudden unexpected nocturnal death syndrome; Sudden unexplained nocturnal death syndrome; Sudden Unexplained Death Syndrome; Sudden Unexplained Nocturnal Death Syndrome (SUNDS). Identifiers: Orphanet 130, MedGen C1142166, MONDO:0015263.

Allele frequency attached by ClinVar (database versions not stated): TOPMed 0.00001; gnomAD 0.00002.
gnomAD v4.1: 3 of 1,591,774 alleles (0.00019%); highest among the groups gnomAD compares: African/African-American, 0.004%; no homozygotes.

Submission:

Labcorp Genetics (formerly Invitae), Labcorp
Classification: Uncertain significance for Brugada syndrome. Last evaluated: 2025-11-03. Review status: criteria provided, single submitter. Criteria: Invitae Variant Classification Sherloc (09022015). Collection method: clinical testing. Allele origin: germline.
Comment: This sequence change falls in intron 3 of the SLMAP gene. It does not directly change the encoded amino acid sequence of the SLMAP protein. It affects a nucleotide within the consensus splice site. This variant is not present in population databases (gnomAD no frequency). This variant has not been reported in the literature in individuals affected with SLMAP-related conditions. ClinVar contains an entry for this variant (Variation ID: 2805176). Variants that disrupt the consensus splice site are a relatively common cause of aberrant splicing (PMID: 17576681, 9536098). Algorithms developed to predict the effect of sequence changes on RNA splicing suggest that this variant is not likely to affect RNA splicing. In summary, the available evidence is currently insufficient to determine the role of this variant in disease. Therefore, it has been classified as a Variant of Uncertain Significance.

Literature cited by the submitters: PubMed 17576681; PubMed 9536098.